The following is an entry in ClinVar:

ClinVar aggregate classification (germline): Uncertain significance (0 of 4 stars; one submission).

Conditions:
PCSK1-related disorder. Also called: PCSK1-related condition.

gnomAD v4.1: 1 of 1,613,976 alleles (0.000062%); highest among the groups gnomAD compares: Non-Finnish European, 0.000085%; no homozygotes.

Submission:

PreventionGenetics, part of Exact Sciences
Classification: Uncertain significance for PCSK1-related condition. Last evaluated: 2024-07-26. Review status: no assertion criteria provided. Collection method: clinical testing. Allele origin: germline.
Comment: The PCSK1 c.2065C>T variant is predicted to result in the amino acid substitution p.Pro689Ser. To our knowledge, this variant has not been reported in the literature. This variant is reported in 0.00088% of alleles in individuals of European (Non-Finnish) descent in gnomAD. At this time, the clinical significance of this variant is uncertain due to the absence of conclusive functional and genetic evidence.

NM_000439.5(PCSK1):c.2065C>T (p.Pro689Ser)

Genes: CAST (calpastatin; plus strand), PCSK1 (proprotein convertase subtilisin/kexin type 1; minus strand), LOC101929710 (uncharacterized LOC101929710; plus strand). Cytogenetic location: 5q15.
Variant type: single nucleotide variant.
Coding change: c.2065C>T on transcript NM_000439.5 (MANE Select); coding-DNA position 2065, C replaced by T.
Protein change: p.Pro689Ser; replaces proline 689 with serine.
Molecular consequence: missense variant. On other transcripts: intron variant (11).
Genome position (GRCh38, 1-based): chr5:96,393,198, G>A on the plus strand (C>T on the coding strand, the complement: PCSK1 is on the minus strand). VCF-style: chr5-96393198-G-A. GRCh37 (hg19) VCF-style: chr5-95728902-G-A.
Other names: c.1924C>T, p.Pro642Ser (NM_001177875.2); c.-175+13546G>A (NM_001423254.1, NM_001423259.1, NM_001423255.1 and 6 more transcripts); c.-103+13546G>A (NM_001423253.1); c.-40+13546G>A (NM_001423258.1); short protein forms P642S, P689S.
Identifiers: ClinVar variation 3347393 (VCV003347393.1).